The following is an entry in ClinVar:

ClinVar aggregate classification (germline): Uncertain significance. Review status: criteria provided, multiple submitters, no conflicts (2 of 4 stars). 2 submissions from 2 submitters: Uncertain significance (2). Last evaluated 2025-12-23.

Allele frequency attached by ClinVar (database versions not stated): gnomAD exomes 0.00001; TOPMed 0.00002; gnomAD 0.00005.
gnomAD v4.1: 17 of 1,207,064 alleles (0.0014%); highest among the groups gnomAD compares: Middle Eastern, 0.025%; no homozygotes.

Submissions (2):

GeneDx
Classification: Uncertain significance. Last evaluated: 2025-12-23. Review status: criteria provided, single submitter. Criteria: GeneDx Variant Classification Process June 2021. Collection method: clinical testing. Allele origin: germline. Affected: yes.
Comment: Not observed at significant frequency in large population cohorts (gnomAD); In silico analysis supports that this missense variant has a deleterious effect on protein structure/function; Has not been previously published as pathogenic or benign to our knowledge

Labcorp Genetics (formerly Invitae), Labcorp
Classification: Uncertain significance. Last evaluated: 2024-12-09. Review status: criteria provided, single submitter. Criteria: Invitae Variant Classification Sherloc (09022015). Collection method: clinical testing. Allele origin: germline.
Comment: This sequence change replaces arginine, which is basic and polar, with cysteine, which is neutral and slightly polar, at codon 118 of the BCAP31 protein (p.Arg118Cys). The frequency data for this variant in the population databases is considered unreliable, as metrics indicate poor data quality at this position in the gnomAD database. This variant has not been reported in the literature in individuals affected with BCAP31-related conditions. ClinVar contains an entry for this variant (Variation ID: 1303401). An algorithm developed to predict the effect of missense changes on protein structure and function (PolyPhen-2) suggests that this variant is likely to be disruptive. In summary, the available evidence is currently insufficient to determine the role of this variant in disease. Therefore, it has been classified as a Variant of Uncertain Significance.

NM_001256447.2(BCAP31):c.352C>T (p.Arg118Cys)

Gene: BCAP31 (B cell receptor associated protein 31; minus strand). Cytogenetic location: Xq28.
Variant type: single nucleotide variant.
Coding change: c.352C>T on transcript NM_001256447.2 (MANE Select); coding-DNA position 352, C replaced by T.
Protein change: p.Arg118Cys; replaces arginine 118 with cysteine.
Molecular consequence: missense variant.
Genome position (GRCh38, 1-based): chrX:153,704,084, G>A on the plus strand (C>T on the coding strand, the complement: BCAP31 is on the minus strand). VCF-style: chrX-153704084-G-A. GRCh37 (hg19) VCF-style: chrX-152969539-G-A.
Other names: c.352C>T, p.Arg118Cys (NM_001139441.1, NM_005745.8); c.553C>T, p.Arg185Cys (NM_001139457.2); short protein forms R118C, R185C.
Identifiers: ClinVar variation 1303401 (VCV001303401.7), dbSNP rs1420709522, ClinGen allele CA415093853.